The following is an entry in ClinVar:

ClinVar aggregate classification (germline): Uncertain significance. Review status: criteria provided, multiple submitters, no conflicts (2 of 4 stars). 2 submissions from 2 submitters: Uncertain significance (2). Last evaluated 2021-10-16.

Conditions:
Majeed syndrome (MJDS). Also called: CHRONIC RECURRENT MULTIFOCAL OSTEOMYELITIS 1, WITH CONGENITAL DYSERYTHROPOIETIC ANEMIA, WITH OR WITHOUT NEUTROPHILIC DERMATOSIS; LPIN2-Related Majeed Syndrome. Identifiers: Orphanet 77297, MedGen C1864997, MONDO:0012316, OMIM 609628.

Allele frequency attached by ClinVar (database versions not stated): ExAC 0.00001; gnomAD exomes 0.00001 and 0.00002; ESP Exome Variant Server 0.00008.
gnomAD v4.1: 35 of 1,614,100 alleles (0.0022%); highest among the groups gnomAD compares: Non-Finnish European, 0.0027%; no homozygotes.

Submissions (2):

Labcorp Genetics (formerly Invitae), Labcorp
Classification: Uncertain significance for Majeed syndrome. Last evaluated: 2021-10-16. Review status: criteria provided, single submitter. Criteria: Invitae Variant Classification Sherloc (09022015). Collection method: clinical testing. Allele origin: germline.
Comment: In summary, the available evidence is currently insufficient to determine the role of this variant in disease. Therefore, it has been classified as a Variant of Uncertain Significance. Algorithms developed to predict the effect of missense changes on protein structure and function (SIFT, PolyPhen-2, Align-GVGD) all suggest that this variant is likely to be tolerated. This variant has not been reported in the literature in individuals affected with LPIN2-related conditions. This variant is present in population databases (rs142161739, ExAC 0.006%). This sequence change replaces proline with serine at codon 121 of the LPIN2 protein (p.Pro121Ser). The proline residue is weakly conserved and there is a moderate physicochemical difference between proline and serine.

Revvity Omics, Revvity
Classification: Uncertain significance for Majeed syndrome. Last evaluated: 2021-09-09. Review status: criteria provided, single submitter. Criteria: ACMG Guidelines, 2015. Collection method: clinical testing. Allele origin: germline.

NM_001375808.2(LPIN2):c.361C>T (p.Pro121Ser)

Gene: LPIN2 (lipin 2; minus strand). Cytogenetic location: 18p11.31.
Variant type: single nucleotide variant.
Coding change: c.361C>T on transcript NM_001375808.2 (MANE Select); coding-DNA position 361, C replaced by T.
Protein change: p.Pro121Ser; replaces proline 121 with serine.
Molecular consequence: missense variant.
Genome position (GRCh38, 1-based): chr18:2,951,284, G>A on the plus strand (C>T on the coding strand, the complement: LPIN2 is on the minus strand). VCF-style: chr18-2951284-G-A. GRCh37 (hg19) VCF-style: chr18-2951282-G-A.
Other names: c.361C>T, p.Pro121Ser (NM_001375809.1, NM_014646.2); short protein forms P121S.
Identifiers: ClinVar variation 1377578 (VCV001377578.8), dbSNP rs142161739, ClinGen allele CA8873572.